The following is an entry in ClinVar:

NM_032242.4(PLXNA1):c.1349C>T (p.Ala450Val)

Gene: PLXNA1 (plexin A1; plus strand). Cytogenetic location: 3q21.3.
Variant type: single nucleotide variant.
Coding change: c.1349C>T on transcript NM_032242.4 (MANE Select); coding-DNA position 1349, C replaced by T.
Protein change: p.Ala450Val; replaces alanine 450 with valine.
Molecular consequence: missense variant.
Genome position (GRCh38, 1-based): chr3:126,991,538, C>T. VCF-style: chr3-126991538-C-T. GRCh37 (hg19) VCF-style: chr3-126710381-C-T.
Other names: short protein forms A450V.
Identifiers: ClinVar variation 3354624 (VCV003354624.1).

ClinVar aggregate classification (germline): Uncertain significance (0 of 4 stars; one submission).

Conditions:
PLXNA1-related disorder. Also called: PLXNA1-related condition.

Submission:

PreventionGenetics, part of Exact Sciences
Classification: Uncertain significance for PLXNA1-related condition. Last evaluated: 2024-04-10. Review status: no assertion criteria provided. Collection method: clinical testing. Allele origin: germline.
Comment: The PLXNA1 c.1349C>T variant is predicted to result in the amino acid substitution p.Ala450Val. To our knowledge, this variant has not been reported in the literature. This variant is reported in 0.011% of alleles in individuals of African descent in gnomAD. At this time, the clinical significance of this variant is uncertain due to the absence of conclusive functional and genetic evidence.